The following is an entry in ClinVar:

NM_001278512.2(AP3B2):c.3187C>A (p.Leu1063Ile)

Genes: AP3B2 (adaptor related protein complex 3 subunit beta 2; minus strand), CPEB1-AS1 (CPEB1 antisense RNA 1; plus strand). Cytogenetic location: 15q25.2.
Variant type: single nucleotide variant.
Coding change: c.3187C>A on transcript NM_001278512.2 (MANE Select); coding-DNA position 3187, C replaced by A.
Protein change: p.Leu1063Ile; replaces leucine 1063 with isoleucine.
Molecular consequence: missense variant.
Genome position (GRCh38, 1-based): chr15:82,659,679, G>T on the plus strand (C>A on the coding strand, the complement: AP3B2 is on the minus strand). VCF-style: chr15-82659679-G-T. GRCh37 (hg19) VCF-style: chr15-83328431-G-T.
Other names: c.3034C>A, p.Leu1012Ile (NM_001278511.2); c.319C>A, p.Leu107Ile (NM_001348441.2); c.3130C>A, p.Leu1044Ile (NM_004644.5); short protein forms L1044I, L1063I, L107I, L1012I.
Identifiers: ClinVar variation 2229275 (VCV002229275.2), dbSNP rs1441573159, ClinGen allele CA393305452.

ClinVar aggregate classification (germline): Uncertain significance (1 of 4 stars; one submission).

Conditions:
Inborn genetic diseases. Identifiers: MedGen C0950123, MeSH D030342.

Allele frequency attached by ClinVar (database versions not stated): gnomAD 0.00001; TOPMed 0.00001.
gnomAD v4.1: 33 of 1,613,818 alleles (0.002%); highest among the groups gnomAD compares: Non-Finnish European, 0.0026%; no homozygotes.

Submission:

Ambry Genetics
Classification: Uncertain significance for Inborn genetic diseases. Last evaluated: 2021-02-26. Review status: criteria provided, single submitter. Criteria: Ambry Variant Classification Scheme 2023. Collection method: clinical testing. Allele origin: germline.
Comment: The c.3130C>A (p.L1044I) alteration is located in exon 26 (coding exon 26) of the AP3B2 gene. This alteration results from a C to A substitution at nucleotide position 3130, causing the leucine (L) at amino acid position 1044 to be replaced by an isoleucine (I). The p.L1044I alteration is predicted to be tolerated by in silico analysis. Based on insufficient or conflicting evidence, the clinical significance of this alteration remains unclear.